The following is an entry in ClinVar:

NM_015103.3(PLXND1):c.4116G>C (p.Val1372=)

Gene: PLXND1 (plexin D1; minus strand). Cytogenetic location: 3q22.1.
Variant type: single nucleotide variant.
Coding change: c.4116G>C on transcript NM_015103.3 (MANE Select); coding-DNA position 4116, G replaced by C.
Protein change: p.Val1372=; no amino-acid change (valine 1372 retained).
Molecular consequence: synonymous variant.
Genome position (GRCh38, 1-based): chr3:129,566,602, C>G on the plus strand (G>C on the coding strand, the complement: PLXND1 is on the minus strand). VCF-style: chr3-129566602-C-G. GRCh37 (hg19) VCF-style: chr3-129285445-C-G.
Identifiers: ClinVar variation 4535399 (VCV004535399.6).

ClinVar aggregate classification (germline): Likely benign (1 of 4 stars; one submission).

Submission:

CeGaT Center for Human Genetics Tuebingen
Classification: Likely benign. Last evaluated: 2025-11-01. Review status: criteria provided, single submitter. Criteria: CeGaT Center For Human Genetics Tuebingen Variant Classification Criteria Version 2. Collection method: clinical testing. Allele origin: germline. Affected: yes. Observed: 1 variant allele.
Comment: PLXND1: PM2:Supporting, BP4, BP7